The following is an entry in ClinVar:

NM_005560.6(LAMA5):c.3542G>A (p.Arg1181His)

Gene: LAMA5 (laminin subunit alpha 5; minus strand). Cytogenetic location: 20q13.33.
Variant type: single nucleotide variant.
Coding change: c.3542G>A on transcript NM_005560.6 (MANE Select); coding-DNA position 3542, G replaced by A.
Protein change: p.Arg1181His; replaces arginine 1181 with histidine.
Molecular consequence: missense variant.
Genome position (GRCh38, 1-based): chr20:62,332,382, C>T on the plus strand (G>A on the coding strand, the complement: LAMA5 is on the minus strand). VCF-style: chr20-62332382-C-T. GRCh37 (hg19) VCF-style: chr20-60907438-C-T.
Other names: c.3542G>A (NM_005560.3); short protein forms R1181H.
Identifiers: ClinVar variation 2187675 (VCV002187675.5), dbSNP rs372622372, ClinGen allele CA9942965.

ClinVar aggregate classification (germline): Conflicting classifications of pathogenicity. Review status: criteria provided, conflicting classifications (1 of 4 stars). 2 submissions from 2 submitters: Uncertain significance (1); Likely benign (1). Last evaluated 2022-10-25.

Conditions:
Inborn genetic diseases. Identifiers: MedGen C0950123, MeSH D030342.

Allele frequency attached by ClinVar (database versions not stated): ExAC 0.00007; ESP Exome Variant Server 0.00008; gnomAD exomes 0.00010; TOPMed 0.00012; gnomAD 0.00013.
gnomAD v4.1: 177 of 1,611,244 alleles (0.011%); highest among the groups gnomAD compares: Admixed American, 0.018%; no homozygotes.

Submissions (2):

Ambry Genetics
Classification: Likely benign for Inborn genetic diseases. Last evaluated: 2022-10-25. Review status: criteria provided, single submitter. Criteria: Ambry Variant Classification Scheme 2023. Collection method: clinical testing. Allele origin: germline.

Labcorp Genetics (formerly Invitae), Labcorp
Classification: Uncertain significance. Last evaluated: 2022-09-19. Review status: criteria provided, single submitter. Criteria: Invitae Variant Classification Sherloc (09022015). Collection method: clinical testing. Allele origin: germline.
Comment: This sequence change replaces arginine, which is basic and polar, with histidine, which is basic and polar, at codon 1181 of the LAMA5 protein (p.Arg1181His). In summary, the available evidence is currently insufficient to determine the role of this variant in disease. Therefore, it has been classified as a Variant of Uncertain Significance. Algorithms developed to predict the effect of missense changes on protein structure and function output the following: SIFT: "Tolerated"; PolyPhen-2: "Benign"; Align-GVGD: "Class C0". The histidine amino acid residue is found in multiple mammalian species, which suggests that this missense change does not adversely affect protein function. This variant has not been reported in the literature in individuals affected with LAMA5-related conditions. This variant is present in population databases (rs372622372, gnomAD 0.03%).